The following is an entry in ClinVar:

NM_006258.4(PRKG1):c.845A>G (p.Asn282Ser)

Gene: PRKG1 (protein kinase cGMP-dependent 1; plus strand). Cytogenetic location: 10q21.1.
Variant type: single nucleotide variant.
Coding change: c.845A>G on transcript NM_006258.4 (MANE Select); coding-DNA position 845, A replaced by G.
Protein change: p.Asn282Ser; replaces asparagine 282 with serine.
Molecular consequence: missense variant.
Genome position (GRCh38, 1-based): chr10:52,062,541, A>G. VCF-style: chr10-52062541-A-G. GRCh37 (hg19) VCF-style: chr10-53822301-A-G.
Other names: c.845A>G, p.Asn282Ser (LRG_1135t1); c.800A>G, p.Asn267Ser (LRG_1135t2, NM_001098512.3); short protein forms N267S, N282S.
Identifiers: ClinVar variation 381196 (VCV000381196.38), dbSNP rs34997494, ClinGen allele CA5503645.

ClinVar aggregate classification (germline): Benign/Likely benign. Review status: criteria provided, multiple submitters, no conflicts (2 of 4 stars). 10 submissions from 10 submitters: Benign (8); Likely benign (2). Last evaluated 2026-02-04.

Conditions:
Aortic aneurysm, familial thoracic 8 (AAT8). Identifiers: MedGen C3809513, MONDO:0014187, OMIM 615436.
Familial thoracic aortic aneurysm and aortic dissection (TAAD). Also called: Thoracic aortic aneurysms and dissections. Identifiers: Orphanet 91387, MedGen C4707243, MONDO:0019625.

Allele frequency attached by ClinVar (database versions not stated): 1000 Genomes Project 0.03215; 1000 Genomes Project 30x 0.03217; ESP Exome Variant Server 0.03752; TOPMed 0.03786; gnomAD 0.03846 and 0.03874; gnomAD exomes 0.04280 and 0.04971; ExAC 0.04446.
gnomAD v4.1: 76,598 of 1,577,504 alleles (4.9%); highest among the groups gnomAD compares: East Asian, 5.6%; 1,976 homozygotes.

Submissions (23):

Labcorp Genetics (formerly Invitae), Labcorp
Classification: Benign for Aortic aneurysm, familial thoracic 8. Last evaluated: 2026-02-04. Review status: criteria provided, single submitter. Criteria: Invitae Variant Classification Sherloc (09022015). Collection method: clinical testing. Allele origin: germline.

ARUP Laboratories, Molecular Genetics and Genomics, ARUP Laboratories
Classification: Benign for Aortic aneurysm, familial thoracic 8. Last evaluated: 2025-07-28. Review status: criteria provided, single submitter. Criteria: ARUP Molecular Germline Variant Investigation Process 2024. Collection method: clinical testing. Allele origin: germline.

Molecular Diagnostic Laboratory for Inherited Cardiovascular Disease, Montreal Heart Institute
Classification: Likely benign. Last evaluated: 2025-04-09. Review status: criteria provided, single submitter. Criteria: ACMG Guidelines, 2015. Collection method: clinical testing. Allele origin: germline. Affected: no.

Blueprint Genetics
Classification: Benign. Last evaluated: 2024-11-27. Review status: criteria provided, single submitter. Criteria: ACMG Guidelines, 2015. Collection method: clinical testing. Allele origin: germline.

Women's Health and Genetics/Laboratory Corporation of America, LabCorp
Classification: Likely benign. Last evaluated: 2023-04-10. Review status: criteria provided, single submitter. Criteria: LabCorp Variant Classification Summary - May 2015. Collection method: clinical testing. Allele origin: germline.

CHEO Genetics Diagnostic Laboratory, Children's Hospital of Eastern Ontario
Classification: Benign for Familial thoracic aortic aneurysm and aortic dissection. Last evaluated: 2022-11-18. Review status: criteria provided, single submitter. Criteria: ACMG Guidelines, 2015. Collection method: clinical testing. Allele origin: germline.

Mayo Clinic Laboratories, Mayo Clinic
Classification: Benign. Last evaluated: 2017-11-28. Review status: criteria provided, single submitter. Criteria: ACMG Guidelines, 2015. Collection method: clinical testing. Allele origin: germline. Observed: 177 variant alleles.

GeneDx
Classification: Benign. Last evaluated: 2016-09-28. Review status: criteria provided, single submitter. Criteria: GeneDx Variant Classification (06012015). Collection method: clinical testing. Allele origin: germline. Affected: yes.
Comment: This variant is considered likely benign or benign based on one or more of the following criteria: it is a conservative change, it occurs at a poorly conserved position in the protein, it is predicted to be benign by multiple in silico algorithms, and/or has population frequency not consistent with disease.

Ambry Genetics
Classification: Benign for Familial thoracic aortic aneurysm and aortic dissection. Last evaluated: 2015-01-30. Review status: criteria provided, single submitter. Criteria: Ambry Variant Classification Scheme 2023. Collection method: clinical testing. Allele origin: germline.

Breakthrough Genomics
Classification: Benign. Review status: criteria provided, single submitter. Criteria: ACMG Guidelines, 2015. Collection method: not provided. Allele origin: germline. Inheritance: Autosomal dominant inheritance. Affected: yes.

Dr. Peter K. Rogan Lab, Western University
No classification provided (evidence only). Condition: Acute myeloid leukemia. Review status: no classification provided. Collection method: in vitro. Allele origin: not applicable. Functional consequence: retained intron. Not counted in ClinVar's aggregate classification.

Dr. Peter K. Rogan Lab, Western University
No classification provided (evidence only). Condition: Acute myeloid leukemia. Review status: no classification provided. Collection method: in vitro. Allele origin: not applicable. Functional consequence: retained intron. Not counted in ClinVar's aggregate classification.

Dr. Peter K. Rogan Lab, Western University
No classification provided (evidence only). Condition: Colon adenocarcinoma. Review status: no classification provided. Collection method: in vitro. Allele origin: not applicable. Functional consequence: retained intron. Not counted in ClinVar's aggregate classification.

Dr. Peter K. Rogan Lab, Western University
No classification provided (evidence only). Condition: Colon adenocarcinoma. Review status: no classification provided. Collection method: in vitro. Allele origin: not applicable. Functional consequence: retained intron. Not counted in ClinVar's aggregate classification.

Dr. Peter K. Rogan Lab, Western University
No classification provided (evidence only). Condition: Uterine corpus endometrial carcinoma. Review status: no classification provided. Collection method: in vitro. Allele origin: not applicable. Functional consequence: retained intron. Not counted in ClinVar's aggregate classification.

Dr. Peter K. Rogan Lab, Western University
No classification provided (evidence only). Condition: Uterine corpus endometrial carcinoma. Review status: no classification provided. Collection method: in vitro. Allele origin: not applicable. Functional consequence: retained intron. Not counted in ClinVar's aggregate classification.

Dr. Peter K. Rogan Lab, Western University
No classification provided (evidence only). Condition: Sarcoma. Review status: no classification provided. Collection method: in vitro. Allele origin: not applicable. Functional consequence: retained intron. Not counted in ClinVar's aggregate classification.

Dr. Peter K. Rogan Lab, Western University
No classification provided (evidence only). Condition: Sarcoma. Review status: no classification provided. Collection method: in vitro. Allele origin: not applicable. Functional consequence: retained intron. Not counted in ClinVar's aggregate classification.

Dr. Peter K. Rogan Lab, Western University
No classification provided (evidence only). Condition: Malignant lymphoma, large B-cell, diffuse. Review status: no classification provided. Collection method: in vitro. Allele origin: not applicable. Functional consequence: retained intron. Not counted in ClinVar's aggregate classification.

Dr. Peter K. Rogan Lab, Western University
No classification provided (evidence only). Condition: Thymoma. Review status: no classification provided. Collection method: in vitro. Allele origin: not applicable. Functional consequence: retained intron. Not counted in ClinVar's aggregate classification.

Dr. Peter K. Rogan Lab, Western University
No classification provided (evidence only). Condition: Adrenocortical carcinoma, hereditary. Review status: no classification provided. Collection method: in vitro. Allele origin: not applicable. Functional consequence: retained intron. Not counted in ClinVar's aggregate classification.

Dr. Peter K. Rogan Lab, Western University
No classification provided (evidence only). Condition: Adrenocortical carcinoma, hereditary. Review status: no classification provided. Collection method: in vitro. Allele origin: not applicable. Functional consequence: retained intron. Not counted in ClinVar's aggregate classification.

Dr. Peter K. Rogan Lab, Western University
No classification provided (evidence only). Condition: Uterine carcinosarcoma. Review status: no classification provided. Collection method: in vitro. Allele origin: not applicable. Functional consequence: retained intron. Not counted in ClinVar's aggregate classification.